The following is an entry in ClinVar:

ClinVar aggregate classification (germline): Uncertain significance (1 of 4 stars; one submission).

Submission:

GeneDx
Classification: Uncertain significance. Last evaluated: 2024-08-18. Review status: criteria provided, single submitter. Criteria: GeneDx Variant Classification Process June 2021. Collection method: clinical testing. Allele origin: germline. Affected: yes.
Comment: Not observed at significant frequency in large population cohorts (gnomAD); In silico analysis supports that this missense variant has a deleterious effect on protein structure/function; Has not been previously published as pathogenic or benign to our knowledge

NM_002860.4(ALDH18A1):c.2006G>A (p.Gly669Glu)

Gene: ALDH18A1 (aldehyde dehydrogenase 18 family member A1; minus strand). Cytogenetic location: 10q24.1.
Variant type: single nucleotide variant.
Coding change: c.2006G>A on transcript NM_002860.4 (MANE Select); coding-DNA position 2006, G replaced by A.
Protein change: p.Gly669Glu; replaces glycine 669 with glutamic acid.
Molecular consequence: missense variant.
Genome position (GRCh38, 1-based): chr10:95,611,360, C>T on the plus strand (G>A on the coding strand, the complement: ALDH18A1 is on the minus strand). VCF-style: chr10-95611360-C-T. GRCh37 (hg19) VCF-style: chr10-97371117-C-T.
Other names: c.2000G>A, p.Gly667Glu (NM_001017423.2, NM_001323415.2); c.1673G>A, p.Gly558Glu (NM_001323412.2, NM_001323416.2); c.2006G>A, p.Gly669Glu (NM_001323413.2, NM_001323414.2); c.1901G>A, p.Gly634Glu (NM_001323417.2); c.1667G>A, p.Gly556Glu (NM_001323418.2); c.1370G>A, p.Gly457Glu (NM_001323419.2); short protein forms G457E, G556E, G558E, G634E, G667E, G669E.
Identifiers: ClinVar variation 3764322 (VCV003764322.1).